The following is an entry in ClinVar:

ClinVar aggregate classification (germline): Uncertain significance (1 of 4 stars; one submission).

Submission:

Labcorp Genetics (formerly Invitae), Labcorp
Classification: Uncertain significance. Last evaluated: 2022-04-23. Review status: criteria provided, single submitter. Criteria: Invitae Variant Classification Sherloc (09022015). Collection method: clinical testing. Allele origin: germline.
Comment: In summary, the available evidence is currently insufficient to determine the role of this variant in disease. Therefore, it has been classified as a Variant of Uncertain Significance. Algorithms developed to predict the effect of missense changes on protein structure and function (SIFT, PolyPhen-2, Align-GVGD) all suggest that this variant is likely to be disruptive. This variant has not been reported in the literature in individuals affected with SLC9A3R1-related conditions. This variant is not present in population databases (gnomAD no frequency). This sequence change replaces glycine, which is neutral and non-polar, with valine, which is neutral and non-polar, at codon 204 of the SLC9A3R1 protein (p.Gly204Val).

NM_004252.5(NHERF1):c.611G>T (p.Gly204Val)

Gene: NHERF1 (NHERF family PDZ scaffold protein 1; plus strand). Cytogenetic location: 17q25.1.
Variant type: single nucleotide variant.
Coding change: c.611G>T on transcript NM_004252.5 (MANE Select); coding-DNA position 611, G replaced by T.
Protein change: p.Gly204Val; replaces glycine 204 with valine.
Molecular consequence: missense variant.
Genome position (GRCh38, 1-based): chr17:74,763,374, G>T. VCF-style: chr17-74763374-G-T. GRCh37 (hg19) VCF-style: chr17-72759513-G-T.
Other names: short protein forms G204V.
Identifiers: ClinVar variation 2790278 (VCV002790278.3), dbSNP rs2509544380, ClinGen allele CA400939983.